The following is an entry in ClinVar:

NM_003106.4(SOX2):c.21G>C (p.Thr7=)

Genes: SOX2-OT (SOX2 overlapping transcript; plus strand), SOX2 (SRY-box transcription factor 2; plus strand), LOC108281177 (SOX2 5' regulatory region; plus strand). Cytogenetic location: 3q26.33.
Variant type: single nucleotide variant.
Coding change: c.21G>C on transcript NM_003106.4 (MANE Select); coding-DNA position 21, G replaced by C.
Protein change: p.Thr7=; no amino-acid change (threonine 7 retained).
Molecular consequence: synonymous variant.
Genome position (GRCh38, 1-based): chr3:181,712,381, G>C. VCF-style: chr3-181712381-G-C. GRCh37 (hg19) VCF-style: chr3-181430169-G-C.
Identifiers: ClinVar variation 2788953 (VCV002788953.3), dbSNP rs983835728, ClinGen allele CA89241865.

ClinVar aggregate classification (germline): Uncertain significance (1 of 4 stars; one submission).

Conditions:
Anophthalmia/microphthalmia-esophageal atresia syndrome (MCOPS3). Also called: AEG SYNDROME; MICROPHTHALMIA AND ESOPHAGEAL ATRESIA SYNDROME; SOX2 Disorder. Identifiers: Orphanet 77298, MedGen C1859773, MONDO:0008799, OMIM 206900.

Allele frequency attached by ClinVar (database versions not stated): gnomAD 0.00001; TOPMed 0.00002.

Submission:

Labcorp Genetics (formerly Invitae), Labcorp
Classification: Uncertain significance for Anophthalmia/microphthalmia-esophageal atresia syndrome. Last evaluated: 2023-10-05. Review status: criteria provided, single submitter. Criteria: Invitae Variant Classification Sherloc (09022015). Collection method: clinical testing. Allele origin: germline.
Comment: This sequence change affects codon 7 of the SOX2 mRNA. It is a 'silent' change, meaning that it does not change the encoded amino acid sequence of the SOX2 protein. This variant is present in population databases (no rsID available, gnomAD 0.02%). This variant has not been reported in the literature in individuals affected with SOX2-related conditions. In summary, the available evidence is currently insufficient to determine the role of this variant in disease. Therefore, it has been classified as a Variant of Uncertain Significance.